The following is an entry in ClinVar:

ClinVar aggregate classification (germline): Uncertain significance. Review status: criteria provided, multiple submitters, no conflicts (2 of 4 stars). 2 submissions from 2 submitters: Uncertain significance (2). Last evaluated 2024-09-19.

Conditions:
Cardiovascular phenotype. Identifiers: MedGen CN230736.
Dilated cardiomyopathy 1JJ (CMD1JJ). Identifiers: Orphanet 154, MedGen C3808935, MONDO:0014095, OMIM 615235.

Submissions (2):

Labcorp Genetics (formerly Invitae), Labcorp
Classification: Uncertain significance for Dilated cardiomyopathy 1JJ. Last evaluated: 2024-09-19. Review status: criteria provided, single submitter. Criteria: Invitae Variant Classification Sherloc (09022015). Collection method: clinical testing. Allele origin: germline.
Comment: This sequence change replaces serine, which is neutral and polar, with isoleucine, which is neutral and non-polar, at codon 367 of the LAMA4 protein (p.Ser367Ile). This variant is not present in population databases (gnomAD no frequency). This variant has not been reported in the literature in individuals affected with LAMA4-related conditions. An algorithm developed to predict the effect of missense changes on protein structure and function (PolyPhen-2) suggests that this variant is likely to be tolerated. In summary, the available evidence is currently insufficient to determine the role of this variant in disease. Therefore, it has been classified as a Variant of Uncertain Significance.

Ambry Genetics
Classification: Uncertain significance for Cardiovascular phenotype. Last evaluated: 2024-05-22. Review status: criteria provided, single submitter. Criteria: Ambry Variant Classification Scheme 2023. Collection method: clinical testing. Allele origin: germline.
Comment: The p.S367I variant (also known as c.1100G>T), located in coding exon 9 of the LAMA4 gene, results from a G to T substitution at nucleotide position 1100. The serine at codon 367 is replaced by isoleucine, an amino acid with dissimilar properties. This amino acid position is conserved. In addition, this alteration is predicted to be tolerated by in silico analysis. Based on the available evidence, the clinical significance of this variant remains unclear.

NM_001105206.3(LAMA4):c.1121G>T (p.Ser374Ile)

Gene: LAMA4 (laminin subunit alpha 4; minus strand). Cytogenetic location: 6q21.
Variant type: single nucleotide variant.
Coding change: c.1121G>T on transcript NM_001105206.3 (MANE Select); coding-DNA position 1121, G replaced by T.
Protein change: p.Ser374Ile; replaces serine 374 with isoleucine.
Molecular consequence: missense variant.
Genome position (GRCh38, 1-based): chr6:112,178,189, C>A on the plus strand (G>T on the coding strand, the complement: LAMA4 is on the minus strand). VCF-style: chr6-112178189-C-A. GRCh37 (hg19) VCF-style: chr6-112499391-C-A.
Other names: c.1100G>T, p.Ser367Ile (NM_001105207.3, NM_002290.5); short protein forms S367I, S374I.
Identifiers: ClinVar variation 3289944 (VCV003289944.3).